The following is an entry in ClinVar:

ClinVar aggregate classification (germline): Likely pathogenic. Review status: criteria provided, multiple submitters, no conflicts (2 of 4 stars). 2 submissions from 2 submitters: Likely pathogenic (2). Last evaluated 2025-09-04.

Conditions:
Familial cancer of breast. Also called: BREAST CANCER, FAMILIAL; Hereditary breast cancer; hereditary breast carcinoma. Identifiers: Orphanet 227535, MedGen C0346153, MONDO:0016419, OMIM 114480. Disease mechanism: loss of function.
Fanconi anemia complementation group J. Also called: BRIP1-Related Fanconi Anemia. Identifiers: Orphanet 84, MedGen C1836860, MONDO:0012187, OMIM 609054.

Submissions (2):

Myriad Genetics, Inc.
Classification: Likely pathogenic for Familial cancer of breast. Last evaluated: 2025-09-04. Review status: criteria provided, single submitter. Criteria: Myriad Autosomal Dominant, Autosomal Recessive and X-Linked Classification Criteria (2023). Collection method: clinical testing. Allele origin: unknown.
Comment: This variant is considered likely pathogenic. This variant occurs within a consensus splice junction and is predicted to result in abnormal mRNA splicing of either an out-of-frame exon or an in-frame exon necessary for protein stability and/or normal function.

Labcorp Genetics (formerly Invitae), Labcorp
Classification: Likely pathogenic for Familial cancer of breast; Fanconi anemia complementation group J. Last evaluated: 2021-09-21. Review status: criteria provided, single submitter. Criteria: Invitae Variant Classification Sherloc (09022015). Collection method: clinical testing. Allele origin: germline.
Comment: In summary, the currently available evidence indicates that the variant is pathogenic, but additional data are needed to prove that conclusively. Therefore, this variant has been classified as Likely Pathogenic. Algorithms developed to predict the effect of sequence changes on RNA splicing suggest that this variant may disrupt the consensus splice site. This variant has not been reported in the literature in individuals affected with BRIP1-related conditions. This variant is not present in population databases (ExAC no frequency). This sequence change affects an acceptor splice site in intron 16 of the BRIP1 gene. It is expected to disrupt RNA splicing. Variants that disrupt the donor or acceptor splice site typically lead to a loss of protein function (PMID: 16199547), and loss-of-function variants in BRIP1 are known to be pathogenic (PMID: 16116423, 17033622, 21964575).

Literature cited by the submitters: PubMed 16199547 (cited by Labcorp Genetics (formerly Invitae), Labcorp); PubMed 16116423 (cited by Labcorp Genetics (formerly Invitae), Labcorp); PubMed 17033622 (cited by Labcorp Genetics (formerly Invitae), Labcorp); PubMed 21964575 (cited by Labcorp Genetics (formerly Invitae), Labcorp).

NM_032043.3(BRIP1):c.2380-2A>C

Gene: BRIP1 (BRCA1 interacting DNA helicase 1; minus strand). Cytogenetic location: 17q23.2.
Variant type: single nucleotide variant.
Coding change: c.2380-2A>C on transcript NM_032043.3 (MANE Select); the canonical splice acceptor site of the intron before coding-DNA position 2380, A replaced by C.
Molecular consequence: splice acceptor variant.
Genome position (GRCh38, 1-based): chr17:61,716,065, T>G on the plus strand (A>C on the coding strand, the complement: BRIP1 is on the minus strand). VCF-style: chr17-61716065-T-G. GRCh37 (hg19) VCF-style: chr17-59793426-T-G.
Identifiers: ClinVar variation 1493912 (VCV001493912.8), dbSNP rs2144384449, ClinGen allele CA400479874.